The following is an entry in ClinVar:

NM_001277115.2(DNAH11):c.9993T>G (p.Thr3331=)

Gene: DNAH11 (dynein axonemal heavy chain 11; plus strand). Cytogenetic location: 7p15.3.
Variant type: single nucleotide variant.
Coding change: c.9993T>G on transcript NM_001277115.2 (MANE Select); coding-DNA position 9993, T replaced by G.
Protein change: p.Thr3331=; no amino-acid change (threonine 3331 retained).
Molecular consequence: synonymous variant.
Genome position (GRCh38, 1-based): chr7:21,789,309, T>G. VCF-style: chr7-21789309-T-G. GRCh37 (hg19) VCF-style: chr7-21828927-T-G.
Other names: c.9993T>G (NM_001277115.1).
Identifiers: ClinVar variation 1148185 (VCV001148185.11), dbSNP rs747513916, ClinGen allele CA4182187.

ClinVar aggregate classification (germline): Likely benign. Review status: criteria provided, single submitter (1 of 4 stars). 2 submissions from 2 submitters: Likely benign (1). 1 of the submissions does not count toward it. Last evaluated 2023-12-09.

Conditions:
DNAH11-related disorder. Also called: DNAH11-related condition.
Primary ciliary dyskinesia. Also called: Ciliary dyskinesia. Identifiers: Orphanet 244, MedGen C0008780, MONDO:0016575, HP:0012265.

Allele frequency attached by ClinVar (database versions not stated): gnomAD exomes 0.00001; ExAC 0.00003; gnomAD 0.00005; TOPMed 0.00007.
gnomAD v4.1: 9 of 1,575,270 alleles (0.00057%); highest among the groups gnomAD compares: African/African-American, 0.012%; no homozygotes.

Submissions (2):

Labcorp Genetics (formerly Invitae), Labcorp
Classification: Likely benign for Primary ciliary dyskinesia. Last evaluated: 2023-12-09. Review status: criteria provided, single submitter. Criteria: Invitae Variant Classification Sherloc (09022015). Collection method: clinical testing. Allele origin: germline.

PreventionGenetics, part of Exact Sciences
Classification: Likely benign for DNAH11-related condition. Last evaluated: 2019-08-09. Review status: no assertion criteria provided. Collection method: clinical testing. Allele origin: germline. Not counted in ClinVar's aggregate classification.
Comment: This variant is classified as likely benign based on ACMG/AMP sequence variant interpretation guidelines (Richards et al. 2015 PMID: 25741868, with internal and published modifications).